The following is an entry in ClinVar:

NM_013275.6(ANKRD11):c.2942G>A (p.Cys981Tyr)

Gene: ANKRD11 (ankyrin repeat domain containing 11; minus strand). Cytogenetic location: 16q24.3.
Variant type: single nucleotide variant.
Coding change: c.2942G>A on transcript NM_013275.6 (MANE Select); coding-DNA position 2942, G replaced by A.
Protein change: p.Cys981Tyr; replaces cysteine 981 with tyrosine.
Molecular consequence: missense variant.
Genome position (GRCh38, 1-based): chr16:89,283,600, C>T on the plus strand (G>A on the coding strand, the complement: ANKRD11 is on the minus strand). VCF-style: chr16-89283600-C-T. GRCh37 (hg19) VCF-style: chr16-89350008-C-T.
Other names: c.2942G>A, p.Cys981Tyr (NM_001256182.2, NM_001256183.2); short protein forms C981Y.
Identifiers: ClinVar variation 426335 (VCV000426335.2), dbSNP rs1085307572, ClinGen allele CA397160950.

ClinVar aggregate classification (germline): Uncertain significance (1 of 4 stars; one submission).

Allele frequency attached by ClinVar (database versions not stated): TOPMed 0.00001.
gnomAD v4.1: 2 of 1,609,906 alleles (0.00012%); highest among the groups gnomAD compares: African/African-American, 0.0027%; no homozygotes.

Submission:

GeneDx
Classification: Uncertain significance. Last evaluated: 2017-04-20. Review status: criteria provided, single submitter. Criteria: GeneDx Variant Classification (06012015). Collection method: clinical testing. Allele origin: germline. Affected: yes.
Comment: The C981Y variant in the ANKRD11 gene has not been reported previously as a pathogenic variant, nor as a benign variant, to our knowledge. The C981Y variant is not observed in large population cohorts (Lek et al., 2016; 1000 Genomes Consortium et al., 2015; Exome Variant Server). The C981Y variant is a non-conservative amino acid substitution, which is likely to impact secondary protein structure as these residues differ in polarity, charge, size and/or other properties. However, this substitution occurs at a position that is not conserved, and in silico analysis predicts this variant likely does not alter the protein structure/function. We interpret C981Y as a variant of uncertain significance.